The following is an entry in ClinVar:

NM_017617.5(NOTCH1):c.557C>T (p.Pro186Leu)

Gene: NOTCH1 (notch receptor 1; minus strand). Cytogenetic location: 9q34.3.
Variant type: single nucleotide variant.
Coding change: c.557C>T on transcript NM_017617.5 (MANE Select); coding-DNA position 557, C replaced by T.
Protein change: p.Pro186Leu; replaces proline 186 with leucine.
Molecular consequence: missense variant.
Genome position (GRCh38, 1-based): chr9:136,523,035, G>A on the plus strand (C>T on the coding strand, the complement: NOTCH1 is on the minus strand). VCF-style: chr9-136523035-G-A. GRCh37 (hg19) VCF-style: chr9-139417487-G-A.
Other names: short protein forms P186L.
Identifiers: ClinVar variation 1488084 (VCV001488084.6), dbSNP rs2133377659, ClinGen allele CA375570257.

ClinVar aggregate classification (germline): Uncertain significance (1 of 4 stars; one submission).

Conditions:
Adams-Oliver syndrome 5 (AOS5). Identifiers: Orphanet 974, MedGen C4014970, MONDO:0014459, OMIM 616028.

Allele frequency attached by ClinVar (database versions not stated): gnomAD exomes below 0.00001.
gnomAD v4.1: 3 of 1,554,318 alleles (0.00019%); highest among the groups gnomAD compares: Non-Finnish European, 0.00017%; no homozygotes.

Submission:

Labcorp Genetics (formerly Invitae), Labcorp
Classification: Uncertain significance for Adams-Oliver syndrome 5. Last evaluated: 2021-11-22. Review status: criteria provided, single submitter. Criteria: Invitae Variant Classification Sherloc (09022015). Collection method: clinical testing. Allele origin: germline.
Comment: This sequence change replaces proline, which is neutral and non-polar, with leucine, which is neutral and non-polar, at codon 186 of the NOTCH1 protein (p.Pro186Leu). This variant is not present in population databases (gnomAD no frequency). This variant has not been reported in the literature in individuals affected with NOTCH1-related conditions. Advanced modeling of protein sequence and biophysical properties (such as structural, functional, and spatial information, amino acid conservation, physicochemical variation, residue mobility, and thermodynamic stability) performed at Invitae indicates that this missense variant is not expected to disrupt NOTCH1 protein function. In summary, the available evidence is currently insufficient to determine the role of this variant in disease. Therefore, it has been classified as a Variant of Uncertain Significance.